The following is an entry in ClinVar:

ClinVar aggregate classification (germline): Pathogenic (1 of 4 stars; one submission).

Conditions:
Dyskeratosis congenita. Identifiers: Orphanet 1775, MedGen C0265965, MONDO:0015780.

Submission:

Labcorp Genetics (formerly Invitae), Labcorp
Classification: Pathogenic for Dyskeratosis congenita. Last evaluated: 2025-11-24. Review status: criteria provided, single submitter. Criteria: Invitae Variant Classification Sherloc (09022015). Collection method: clinical testing. Allele origin: germline.
Comment: This sequence change creates a premature translational stop signal (p.Cys424*) in the CTC1 gene. It is expected to result in an absent or disrupted protein product. Loss-of-function variants in CTC1 are known to be pathogenic (PMID: 22267198, 22387016). This variant is not present in population databases (gnomAD no frequency). This variant has not been reported in the literature in individuals affected with CTC1-related conditions. For these reasons, this variant has been classified as Pathogenic.

Literature cited by the submitters: PubMed 22267198; PubMed 22387016.

NM_025099.6(CTC1):c.1272C>A (p.Cys424Ter)

Gene: CTC1 (CST telomere replication complex component 1; minus strand). Cytogenetic location: 17p13.1.
Variant type: single nucleotide variant.
Coding change: c.1272C>A on transcript NM_025099.6 (MANE Select); coding-DNA position 1272, C replaced by A.
Protein change: p.Cys424Ter; replaces cysteine 424 with a stop codon.
Molecular consequence: nonsense. On other transcripts: non-coding transcript variant (1).
Genome position (GRCh38, 1-based): chr17:8,235,220, G>T on the plus strand (C>A on the coding strand, the complement: CTC1 is on the minus strand). VCF-style: chr17-8235220-G-T. GRCh37 (hg19) VCF-style: chr17-8138538-G-T.
Other names: c.1272C>A, p.Cys424Ter (NM_001411067.1); short protein forms C424*.
Identifiers: ClinVar variation 4731886 (VCV004731886.1).